The following is an entry in ClinVar:

NM_002427.4(MMP13):c.1367G>A (p.Ser456Asn)

Gene: MMP13 (matrix metallopeptidase 13; minus strand). Cytogenetic location: 11q22.2.
Variant type: single nucleotide variant.
Coding change: c.1367G>A on transcript NM_002427.4 (MANE Select); coding-DNA position 1367, G replaced by A.
Protein change: p.Ser456Asn; replaces serine 456 with asparagine.
Molecular consequence: missense variant.
Genome position (GRCh38, 1-based): chr11:102,944,315, C>T on the plus strand (G>A on the coding strand, the complement: MMP13 is on the minus strand). VCF-style: chr11-102944315-C-T. GRCh37 (hg19) VCF-style: chr11-102815044-C-T.
Other names: short protein forms S456N.
Identifiers: ClinVar variation 2062273 (VCV002062273.4), dbSNP rs782476333, ClinGen allele CA6251675.

ClinVar aggregate classification (germline): Uncertain significance (1 of 4 stars; one submission).

Allele frequency attached by ClinVar (database versions not stated): ExAC 0.00001; gnomAD 0.00001; TOPMed 0.00001.
gnomAD v4.1: 2 of 1,613,184 alleles (0.00012%); highest among the groups gnomAD compares: African/African-American, 0.0027%; no homozygotes.

Submission:

Labcorp Genetics (formerly Invitae), Labcorp
Classification: Uncertain significance. Last evaluated: 2021-12-27. Review status: criteria provided, single submitter. Criteria: Invitae Variant Classification Sherloc (09022015). Collection method: clinical testing. Allele origin: germline.
Comment: This sequence change replaces serine, which is neutral and polar, with asparagine, which is neutral and polar, at codon 456 of the MMP13 protein (p.Ser456Asn). This variant is not present in population databases (gnomAD no frequency). This variant has not been reported in the literature in individuals affected with MMP13-related conditions. Algorithms developed to predict the effect of missense changes on protein structure and function (SIFT, PolyPhen-2, Align-GVGD) all suggest that this variant is likely to be tolerated. In summary, the available evidence is currently insufficient to determine the role of this variant in disease. Therefore, it has been classified as a Variant of Uncertain Significance.